The following is an entry in ClinVar:

ClinVar aggregate classification (germline): Likely benign (1 of 4 stars; one submission).

Conditions:
SEMA3E-related disorder. Also called: SEMA3E-related condition.

gnomAD v4.1: 1 of 1,614,148 alleles (0.000062%); highest among the groups gnomAD compares: Non-Finnish European, 0.000085%; no homozygotes.

Submission:

PreventionGenetics, part of Exact Sciences
Classification: Likely benign for SEMA3E-related condition. Last evaluated: 2026-06-04. Review status: criteria provided, single submitter. Criteria: ACMG Guidelines, 2015. Collection method: clinical testing. Allele origin: germline.
Comment: This variant is classified as likely benign based on ACMG/AMP sequence variant interpretation guidelines (Richards et al. 2015 PMID: 25741868, with internal and published modifications).

NM_012431.3(SEMA3E):c.2250G>A (p.Lys750=)

Gene: SEMA3E (semaphorin 3E; minus strand). Cytogenetic location: 7q21.11.
Variant type: single nucleotide variant.
Coding change: c.2250G>A on transcript NM_012431.3 (MANE Select); coding-DNA position 2250, G replaced by A.
Protein change: p.Lys750=; no amino-acid change (lysine 750 retained).
Molecular consequence: synonymous variant.
Genome position (GRCh38, 1-based): chr7:83,367,664, C>T on the plus strand (G>A on the coding strand, the complement: SEMA3E is on the minus strand). VCF-style: chr7-83367664-C-T. GRCh37 (hg19) VCF-style: chr7-82996980-C-T.
Other names: c.2070G>A, p.Lys690= (NM_001178129.2).
Identifiers: ClinVar variation 4992501 (VCV004992501.1).